The following is an entry in ClinVar:

NM_153460.4(IL17RC):c.116G>C (p.Cys39Ser)

Gene: IL17RC (interleukin 17 receptor C; plus strand). Cytogenetic location: 3p25.3.
Variant type: single nucleotide variant.
Coding change: c.116G>C on transcript NM_153460.4 (MANE Select); coding-DNA position 116, G replaced by C.
Protein change: p.Cys39Ser; replaces cysteine 39 with serine.
Molecular consequence: missense variant. On other transcripts: non-coding transcript variant (1).
Genome position (GRCh38, 1-based): chr3:9,917,723, G>C. VCF-style: chr3-9917723-G-C. GRCh37 (hg19) VCF-style: chr3-9959407-G-C.
Other names: c.116G>C, p.Cys39Ser (NM_001203263.2, NM_001203264.2, NM_001203265.2 and 5 more transcripts); c.329G>C, p.Cys110Ser (NM_153461.4); short protein forms C110S, C39S.
Identifiers: ClinVar variation 2732765 (VCV002732765.3), dbSNP rs753971413, ClinGen allele CA351754526.

ClinVar aggregate classification (germline): Uncertain significance (1 of 4 stars; one submission).

Conditions:
Candidiasis, familial, 9 (CANDF9). Identifiers: Orphanet 1334, MedGen C4225324, MONDO:0014642, OMIM 616445.

gnomAD v4.1: 4 of 1,613,728 alleles (0.00025%); highest among the groups gnomAD compares: Non-Finnish European, 0.00034%; no homozygotes.

Submission:

Labcorp Genetics (formerly Invitae), Labcorp
Classification: Uncertain significance for Candidiasis, familial, 9. Last evaluated: 2023-02-11. Review status: criteria provided, single submitter. Criteria: Invitae Variant Classification Sherloc (09022015). Collection method: clinical testing. Allele origin: germline.
Comment: In summary, the available evidence is currently insufficient to determine the role of this variant in disease. Therefore, it has been classified as a Variant of Uncertain Significance. Algorithms developed to predict the effect of missense changes on protein structure and function are either unavailable or do not agree on the potential impact of this missense change (SIFT: "Deleterious"; PolyPhen-2: "Benign"; Align-GVGD: "Class C0"). This variant has not been reported in the literature in individuals affected with IL17RC-related conditions. This variant is not present in population databases (gnomAD no frequency). This sequence change replaces cysteine, which is neutral and slightly polar, with serine, which is neutral and polar, at codon 110 of the IL17RC protein (p.Cys110Ser).